The following is an entry in ClinVar:

NM_005245.4(FAT1):c.4593G>A (p.Thr1531=)

Gene: FAT1 (FAT atypical cadherin 1; minus strand). Cytogenetic location: 4q35.2.
Variant type: single nucleotide variant.
Coding change: c.4593G>A on transcript NM_005245.4 (MANE Select); coding-DNA position 4593, G replaced by A.
Protein change: p.Thr1531=; no amino-acid change (threonine 1531 retained).
Molecular consequence: synonymous variant.
Genome position (GRCh38, 1-based): chr4:186,628,494, C>T on the plus strand (G>A on the coding strand, the complement: FAT1 is on the minus strand). VCF-style: chr4-186628494-C-T. GRCh37 (hg19) VCF-style: chr4-187549648-C-T.
Other names: c.4593G>A (NM_005245.3).
Identifiers: ClinVar variation 2964004 (VCV002964004.4), dbSNP rs767123201, ClinGen allele CA3166681.

ClinVar aggregate classification (germline): Likely benign. Review status: criteria provided, single submitter (1 of 4 stars). 2 submissions from 2 submitters: Likely benign (1). 1 of the submissions does not count toward it. Last evaluated 2024-07-30.

Conditions:
FAT1-related disorder. Also called: FAT1-related condition.

Allele frequency attached by ClinVar (database versions not stated): gnomAD exomes below 0.00001; gnomAD 0.00001; ExAC 0.00002; TOPMed 0.00002.
gnomAD v4.1: 6 of 1,613,856 alleles (0.00037%); highest among the groups gnomAD compares: Non-Finnish European, 0.00051%; no homozygotes.

Submissions (2):

Labcorp Genetics (formerly Invitae), Labcorp
Classification: Likely benign. Last evaluated: 2024-07-30. Review status: criteria provided, single submitter. Criteria: Invitae Variant Classification Sherloc (09022015). Collection method: clinical testing. Allele origin: germline.

PreventionGenetics, part of Exact Sciences
Classification: Likely benign for FAT1-related condition. Last evaluated: 2022-12-20. Review status: no assertion criteria provided. Collection method: clinical testing. Allele origin: germline. Not counted in ClinVar's aggregate classification.
Comment: This variant is classified as likely benign based on ACMG/AMP sequence variant interpretation guidelines (Richards et al. 2015 PMID: 25741868, with internal and published modifications).